The following is an entry in ClinVar:

ClinVar aggregate classification (germline): Uncertain significance (1 of 4 stars; one submission).

Conditions:
Hereditary cancer-predisposing syndrome. Also called: Neoplastic Syndromes, Hereditary; Tumor predisposition; Hereditary Cancer Syndrome; Hereditary neoplastic syndrome. Identifiers: Orphanet 140162, MedGen C0027672, MeSH D009386, MONDO:0015356.

Submission:

Ambry Genetics
Classification: Uncertain significance for Hereditary cancer-predisposing syndrome. Last evaluated: 2015-11-17. Review status: criteria provided, single submitter. Criteria: Ambry Variant Classification Scheme 2023. Collection method: clinical testing. Allele origin: germline.
Comment: The p.F2382L variant (also known as c.7146T>G), located in coding exon 13 of the BRCA2 gene, results from a T to G substitution at nucleotide position 7146. The phenylalanine at codon 2382 is replaced by leucine, an amino acid with highly similar properties. This variant was not reported in population based cohorts in the following databases: Database of Single Nucleotide Polymorphisms (dbSNP), NHLBI Exome Sequencing Project (ESP), and 1000 Genomes Project. In the ESP, this variant was not observed in 6503 samples (13006 alleles) with coverage at this position. To date, this alteration has been detected with an allele frequency of approximately 0.0004% (greater than 225000 alleles tested) in our clinical cohort. This amino acid position is not well conserved in available vertebrate species, and leucine is the reference amino acid in multiple species. In addition, this alteration is predicted to be tolerated by in silico analysis. Since supporting evidence is limited at this time, the clinical significance of p.F2382L remains unclear.

NM_000059.4(BRCA2):c.7146T>G (p.Phe2382Leu)

Gene: BRCA2 (BRCA2 DNA repair associated; plus strand). Cytogenetic location: 13q13.1.
Variant type: single nucleotide variant.
Coding change: c.7146T>G on transcript NM_000059.4 (MANE Select); coding-DNA position 7146, T replaced by G.
Protein change: p.Phe2382Leu; replaces phenylalanine 2382 with leucine.
Molecular consequence: missense variant.
Genome position (GRCh38, 1-based): chr13:32,354,999, T>G. VCF-style: chr13-32354999-T-G. GRCh37 (hg19) VCF-style: chr13-32929136-T-G.
Other names: c.7050T>G, p.Phe2350Leu (NM_001406719.1); c.7146T>G, p.Phe2382Leu (NM_001406720.1); c.2214T>G, p.Phe738Leu (NM_001406721.1); c.729T>G, p.Phe243Leu (NM_001406722.1); short protein forms F2382L, F243L, F2350L, F738L.
Identifiers: ClinVar variation 1757363 (VCV001757363.2), dbSNP rs2548540159, ClinGen allele CA387739068.
Genomic context (GRCh38, chr13:32,354,999, plus strand): 5'-GTATGAACATCTGACTTTGGAAAAATCTTCAAGCAATTTAGCAGTTTCAGGACATCCATT[T>G]TATCAAGTTTCTGCTACAAGAAATGAAAAAATGAGACACTTGATTACTACAGGCAGACCA-3'
Protein context (NP_000050.3, residues 2372-2392): SSNLAVSGHP[Phe2382Leu]YQVSATRNEK